The following is an entry in ClinVar:

NM_001369.3(DNAH5):c.275C>G (p.Thr92Arg)

Gene: DNAH5 (dynein axonemal heavy chain 5; minus strand). Cytogenetic location: 5p15.2.
Variant type: single nucleotide variant.
Coding change: c.275C>G on transcript NM_001369.3 (MANE Select); coding-DNA position 275, C replaced by G.
Protein change: p.Thr92Arg; replaces threonine 92 with arginine.
Molecular consequence: missense variant.
Genome position (GRCh38, 1-based): chr5:13,928,096, G>C on the plus strand (C>G on the coding strand, the complement: DNAH5 is on the minus strand). VCF-style: chr5-13928096-G-C. GRCh37 (hg19) VCF-style: chr5-13928205-G-C.
Other names: short protein forms T92R.
Identifiers: ClinVar variation 1409120 (VCV001409120.5), dbSNP rs765566079, ClinGen allele CA3205236.

ClinVar aggregate classification (germline): Uncertain significance (1 of 4 stars; one submission).

Conditions:
Primary ciliary dyskinesia. Also called: Ciliary dyskinesia. Identifiers: Orphanet 244, MedGen C0008780, MONDO:0016575, HP:0012265.

Allele frequency attached by ClinVar (database versions not stated): gnomAD exomes below 0.00001; ExAC 0.00001.
gnomAD v4.1: 1 of 1,612,404 alleles (0.000062%); highest among the groups gnomAD compares: Non-Finnish European, 0.000085%; no homozygotes.

Submission:

Labcorp Genetics (formerly Invitae), Labcorp
Classification: Uncertain significance for Primary ciliary dyskinesia. Last evaluated: 2021-08-26. Review status: criteria provided, single submitter. Criteria: Invitae Variant Classification Sherloc (09022015). Collection method: clinical testing. Allele origin: germline.
Comment: This sequence change replaces threonine with arginine at codon 92 of the DNAH5 protein (p.Thr92Arg). The threonine residue is weakly conserved and there is a moderate physicochemical difference between threonine and arginine. This variant is present in population databases (rs765566079, ExAC 0.002%). This variant has not been reported in the literature in individuals affected with DNAH5-related conditions. Algorithms developed to predict the effect of missense changes on protein structure and function are either unavailable or do not agree on the potential impact of this missense change (SIFT: "Tolerated"; PolyPhen-2: "Possibly Damaging"; Align-GVGD: "Class C0"). In summary, the available evidence is currently insufficient to determine the role of this variant in disease. Therefore, it has been classified as a Variant of Uncertain Significance.